The following is an entry in ClinVar:

ClinVar aggregate classification (germline): Uncertain significance (1 of 4 stars; one submission).

Conditions:
Epidermodysplasia verruciformis. Identifiers: Orphanet 302, MedGen C0014522, MONDO:0009176.

Allele frequency attached by ClinVar (database versions not stated): gnomAD 0.00001; TOPMed 0.00001; ExAC 0.00002; gnomAD exomes 0.00003 and 0.00004.
gnomAD v4.1: 43 of 1,613,646 alleles (0.0027%); highest among the groups gnomAD compares: Admixed American, 0.005%; no homozygotes.

Submission:

Labcorp Genetics (formerly Invitae), Labcorp
Classification: Uncertain significance for Epidermodysplasia verruciformis. Last evaluated: 2021-02-19. Review status: criteria provided, single submitter. Criteria: Invitae Variant Classification Sherloc (09022015). Collection method: clinical testing. Allele origin: germline.
Comment: This sequence change replaces arginine with glutamine at codon 190 of the TMC8 protein (p.Arg190Gln). The arginine residue is moderately conserved and there is a small physicochemical difference between arginine and glutamine. In summary, the available evidence is currently insufficient to determine the role of this variant in disease. Therefore, it has been classified as a Variant of Uncertain Significance. Algorithms developed to predict the effect of missense changes on protein structure and function output the following: SIFT: "Tolerated"; PolyPhen-2: "Benign"; Align-GVGD: "Class C0". The glutamine amino acid residue is found in multiple mammalian species, suggesting that this missense change does not adversely affect protein function. These predictions have not been confirmed by published functional studies and their clinical significance is uncertain. This variant has not been reported in the literature in individuals with TMC8-related conditions. This variant is present in population databases (rs766694820, ExAC 0.006%).

NM_152468.5(TMC8):c.569G>A (p.Arg190Gln)

Gene: TMC8 (transmembrane channel like 8; plus strand). Cytogenetic location: 17q25.3.
Variant type: single nucleotide variant.
Coding change: c.569G>A on transcript NM_152468.5 (MANE Select); coding-DNA position 569, G replaced by A.
Protein change: p.Arg190Gln; replaces arginine 190 with glutamine.
Molecular consequence: missense variant.
Genome position (GRCh38, 1-based): chr17:78,133,443, G>A. VCF-style: chr17-78133443-G-A. GRCh37 (hg19) VCF-style: chr17-76129524-G-A.
Other names: short protein forms R190Q.
Identifiers: ClinVar variation 1373121 (VCV001373121.6), dbSNP rs766694820, ClinGen allele CA8796515.
Genomic context (GRCh38, chr17:78,133,443, plus strand): 5'-GGTATCTTCGTCGCTGTCCCCAGGCCTTCACCAACACCTATCTCTTCTACGGTGCGTACC[G>A]AGTGGGGCCGGAGAGCAGCTCCGTGTACAGCATCCGCCTGGCCTACCTCCTCAGCCCGCT-3'
Protein context (NP_689681.2, residues 180-200): TNTYLFYGAY[Arg190Gln]VGPESSSVYS